The following is an entry in ClinVar:

NM_001846.4(COL4A2):c.2552G>T (p.Gly851Val)

Gene: COL4A2 (collagen type IV alpha 2 chain; plus strand). Cytogenetic location: 13q34.
Variant type: single nucleotide variant.
Coding change: c.2552G>T on transcript NM_001846.4 (MANE Select); coding-DNA position 2552, G replaced by T.
Protein change: p.Gly851Val; replaces glycine 851 with valine.
Molecular consequence: missense variant.
Genome position (GRCh38, 1-based): chr13:110,478,129, G>T. VCF-style: chr13-110478129-G-T. GRCh37 (hg19) VCF-style: chr13-111130476-G-T.
Other names: short protein forms G851V.
Identifiers: ClinVar variation 2858375 (VCV002858375.3), dbSNP rs2502153874, ClinGen allele CA388726032.
Genomic context (GRCh38, chr13:110,478,129, plus strand): 5'-AGCCAGGCCTGTATGGGCCTCCAGGACTGCATGGATTCCCAGGAGCTCCTGGCCAAGAGG[G>T]GCCCTTGGGGCTGCCAGGAATCCCAGGCCGTGAAGGTAAGACCCCAGCCCTCCCATAAAC-3'
Protein context (NP_001837.2, residues 841-861): HGFPGAPGQE[Gly851Val]PLGLPGIPGR

ClinVar aggregate classification (germline): Uncertain significance (1 of 4 stars; one submission).

Submission:

Labcorp Genetics (formerly Invitae), Labcorp
Classification: Uncertain significance. Last evaluated: 2023-07-27. Review status: criteria provided, single submitter. Criteria: Invitae Variant Classification Sherloc (09022015). Collection method: clinical testing. Allele origin: germline.
Comment: This variant is not present in population databases (gnomAD no frequency). This variant has not been reported in the literature in individuals affected with COL4A2-related conditions. Advanced modeling of protein sequence and biophysical properties (such as structural, functional, and spatial information, amino acid conservation, physicochemical variation, residue mobility, and thermodynamic stability) has been performed at Invitae for this missense variant, however the output from this modeling did not meet the statistical confidence thresholds required to predict the impact of this variant on COL4A2 protein function. This sequence change replaces glycine, which is neutral and non-polar, with valine, which is neutral and non-polar, at codon 851 of the COL4A2 protein (p.Gly851Val). In summary, the available evidence is currently insufficient to determine the role of this variant in disease. Therefore, it has been classified as a Variant of Uncertain Significance.